The following is an entry in ClinVar:

ClinVar aggregate classification (germline): Benign. Review status: criteria provided, multiple submitters, no conflicts (2 of 4 stars). 2 submissions from 2 submitters: Benign (2). Last evaluated 2018-06-14.

Allele frequency attached by ClinVar (database versions not stated): ESP Exome Variant Server 0.98926; TOPMed 0.98969; 1000 Genomes Project 30x 0.99016; gnomAD 0.99018 and 0.99086; 1000 Genomes Project 0.99042; gnomAD exomes 0.99908.
gnomAD v4.1: 1,172,397 of 1,174,752 alleles (100%); highest among the groups gnomAD compares: East Asian, 100%; 585,069 homozygotes.

Submissions (2):

GeneDx
Classification: Benign. Last evaluated: 2018-06-14. Review status: criteria provided, single submitter. Criteria: GeneDx Variant Classification (06012015). Collection method: clinical testing. Allele origin: germline. Affected: yes.
Comment: This variant is considered likely benign or benign based on one or more of the following criteria: it is a conservative change, it occurs at a poorly conserved position in the protein, it is predicted to be benign by multiple in silico algorithms, and/or has population frequency not consistent with disease.

Breakthrough Genomics
Classification: Benign. Review status: criteria provided, single submitter. Criteria: ACMG Guidelines, 2015. Collection method: not provided. Allele origin: germline. Inheritance: Autosomal recessive inheritance. Affected: yes.

NM_001013703.4(EIF2AK4):c.2250-65A>G

Gene: EIF2AK4 (eukaryotic translation initiation factor 2 alpha kinase 4; plus strand). Cytogenetic location: 15q15.1.
Variant type: single nucleotide variant.
Coding change: c.2250-65A>G on transcript NM_001013703.4 (MANE Select); 65 bases into the intron before coding-DNA position 2250, A replaced by G.
Molecular consequence: intron variant.
Genome position (GRCh38, 1-based): chr15:39,978,013, A>G. VCF-style: chr15-39978013-A-G. GRCh37 (hg19) VCF-style: chr15-40270214-A-G.
Identifiers: ClinVar variation 674662 (VCV000674662.2), dbSNP rs7174071, ClinGen allele CA268738482.